The following is an entry in ClinVar:

NM_198253.3(TERT):c.3295+5G>T

Gene: TERT (telomerase reverse transcriptase; minus strand). Cytogenetic location: 5p15.33.
Variant type: single nucleotide variant.
Coding change: c.3295+5G>T on transcript NM_198253.3 (MANE Select); 5 bases into the intron after coding-DNA position 3295, G replaced by T.
Molecular consequence: intron variant.
Genome position (GRCh38, 1-based): chr5:1,254,363, C>A on the plus strand (G>T on the coding strand, the complement: TERT is on the minus strand). VCF-style: chr5-1254363-C-A. GRCh37 (hg19) VCF-style: chr5-1254478-C-A.
Other names: c.3106+5G>T (NM_001193376.3).
Identifiers: ClinVar variation 1344558 (VCV001344558.2), dbSNP rs2126559305, ClinGen allele CA2573052404.

Submission:

Human Development and Health, University of Southampton
No classification provided (evidence only). Review status: no classification provided. Collection method: in vitro. Allele origin: not applicable. Functional consequence: sequence_variant_affecting_splicing.
ClinVar note: "not provided" was previously submitted as the classification for the variant. However, the classification appeared to be based only on an observation of functional data so it was converted to no classification on 2025-07-30.